The following is an entry in ClinVar:

NM_003722.5(TP63):c.766+5G>A

Gene: TP63 (tumor protein p63; plus strand). Cytogenetic location: 3q28.
Variant type: single nucleotide variant.
Coding change: c.766+5G>A on transcript NM_003722.5 (MANE Select); 5 bases into the intron after coding-DNA position 766, G replaced by A.
Molecular consequence: intron variant.
Genome position (GRCh38, 1-based): chr3:189,864,423, G>A. VCF-style: chr3-189864423-G-A. GRCh37 (hg19) VCF-style: chr3-189582212-G-A.
Other names: c.766+5G>A (NM_001329148.2, NM_001114979.2, NM_001114978.2 and 1 more transcripts); c.484+5G>A (NM_001114980.2, NM_001114981.2, NM_001329145.2 and 2 more transcripts); c.760+5G>A (NM_001329964.2); c.229+5G>A (NM_001329146.2, NM_001329150.2).
Identifiers: ClinVar variation 344384 (VCV000344384.12), dbSNP rs374425727, ClinGen allele CA2752235.

ClinVar aggregate classification (germline): Conflicting classifications of pathogenicity. Review status: criteria provided, conflicting classifications (1 of 4 stars). 4 submissions from 2 submitters: Uncertain significance (1); Benign (2); Likely benign (1). Last evaluated 2024-10-30.

Conditions:
Orofacial cleft 8. Also called: Cleft lip with or without cleft palate, nonsyndromic, 8. Identifiers: MedGen C1851878, MONDO:0029145, OMIM 618149.
TP63-Related Spectrum Disorders.
Ectrodactyly, ectodermal dysplasia, and cleft lip-palate syndrome 3. Also called: Ectrodactyly, Ectodermal Dysplasia, Clefting Syndrome; EEC SYNDROME 3; Ectrodactyly, Ectodermal Dysplasia, Clefting Syndrome Type 3 (EEC3); Ectrodactyly, Ectodermal Dysplasia, Cleft Lip/Palate Syndrome 3 (EEC3). Identifiers: Orphanet 1896, MedGen C1858562, MONDO:0011428, OMIM 604292.

Allele frequency attached by ClinVar (database versions not stated): gnomAD exomes 0.00001 and 0.00006; ExAC 0.00005; gnomAD 0.00019 and 0.00022; TOPMed 0.00022; ESP Exome Variant Server 0.00031.
gnomAD v4.1: 50 of 1,611,238 alleles (0.0031%); highest among the groups gnomAD compares: African/African-American, 0.061%; no homozygotes.

Submissions (4):

Labcorp Genetics (formerly Invitae), Labcorp
Classification: Likely benign. Last evaluated: 2024-10-30. Review status: criteria provided, single submitter. Criteria: Invitae Variant Classification Sherloc (09022015). Collection method: clinical testing. Allele origin: germline.

Illumina Laboratory Services, Illumina
Classification: Uncertain significance for Orofacial cleft 8. Last evaluated: 2018-01-12. Review status: criteria provided, single submitter. Criteria: ICSL Variant Classification Criteria 13 December 2019. Collection method: clinical testing. Allele origin: germline.

Illumina Laboratory Services, Illumina
Classification: Benign for TP63-Related Spectrum Disorders. Last evaluated: 2018-01-12. Review status: criteria provided, single submitter. Criteria: ICSL Variant Classification Criteria 13 December 2019. Collection method: clinical testing. Allele origin: germline.
Comment: This variant was observed in the ICSL laboratory as part of a predisposition screen in an ostensibly healthy population. It had not been previously curated by ICSL or reported in the Human Gene Mutation Database (HGMD: prior to June 1st, 2018), and was therefore a candidate for classification through an automated scoring system. Utilizing variant allele frequency, disease prevalence and penetrance estimates, and inheritance mode, an automated score was calculated to assess if this variant is too frequent to cause the disease. Based on the score and internal cut-off values, a variant classified as benign is not then subjected to further curation. The score for this variant resulted in a classification of benign for this disease.

Illumina Laboratory Services, Illumina
Classification: Benign for Ectrodactyly, ectodermal dysplasia, and cleft lip-palate syndrome 3. Last evaluated: 2018-01-12. Review status: criteria provided, single submitter. Criteria: ICSL Variant Classification Criteria 13 December 2019. Collection method: clinical testing. Allele origin: germline.
Comment: the same text as in the submission from Illumina Laboratory Services, Illumina above.